The following is an entry in ClinVar:

ClinVar aggregate classification (germline): Likely benign (0 of 4 stars; one submission).

Conditions:
SRPX2-related disorder. Also called: SRPX2-related condition.

Submission:

PreventionGenetics, part of Exact Sciences
Classification: Likely benign for SRPX2-related condition. Last evaluated: 2024-01-03. Review status: no assertion criteria provided. Collection method: clinical testing. Allele origin: germline.
Comment: This variant is classified as likely benign based on ACMG/AMP sequence variant interpretation guidelines (Richards et al. 2015 PMID: 25741868, with internal and published modifications).

NM_014467.3(SRPX2):c.1179G>A (p.Arg393=)

Gene: SRPX2 (sushi repeat containing protein X-linked 2; plus strand). Cytogenetic location: Xq22.1.
Variant type: single nucleotide variant.
Coding change: c.1179G>A on transcript NM_014467.3 (MANE Select); coding-DNA position 1179, G replaced by A.
Protein change: p.Arg393=; no amino-acid change (arginine 393 retained).
Molecular consequence: synonymous variant.
Genome position (GRCh38, 1-based): chrX:100,669,331, G>A. VCF-style: chrX-100669331-G-A. GRCh37 (hg19) VCF-style: chrX-99924328-G-A.
Identifiers: ClinVar variation 3033945 (VCV003033945.2), dbSNP rs2520312647, ClinGen allele CA517519092.
Genomic context (GRCh38, chrX:100,669,331, plus strand): 5'-GCGGCATGTGACCATCATTGAACTGGTGGGACAGCCACCTCAGGAGGTGGGGCGCATCCG[G>A]GAGCAACAGCTGTCAGCCAACATCATCGAGGAGCTCAGGTCCAGGCTGGGAGGCTGCCAA-3'
Protein context (NP_055282.1, residues 383-403): GQPPQEVGRI[Arg393=]EQQLSANIIE